The following is an entry in ClinVar:

ClinVar aggregate classification (germline): Uncertain significance. Review status: criteria provided, multiple submitters, no conflicts (2 of 4 stars). 2 submissions from 2 submitters: Uncertain significance (2). Last evaluated 2023-04-20.

Conditions:
Inborn genetic diseases. Identifiers: MedGen C0950123, MeSH D030342.

gnomAD v4.1: 5 of 1,610,234 alleles (0.00031%); highest among the groups gnomAD compares: East Asian, 0.0022%; no homozygotes.

Submissions (2):

Ambry Genetics
Classification: Uncertain significance for Inborn genetic diseases. Last evaluated: 2023-04-20. Review status: criteria provided, single submitter. Criteria: Ambry Variant Classification Scheme 2023. Collection method: clinical testing. Allele origin: germline.

Labcorp Genetics (formerly Invitae), Labcorp
Classification: Uncertain significance. Last evaluated: 2022-07-03. Review status: criteria provided, single submitter. Criteria: Invitae Variant Classification Sherloc (09022015). Collection method: clinical testing. Allele origin: germline.
Comment: This sequence change replaces glutamine, which is neutral and polar, with arginine, which is basic and polar, at codon 2263 of the SPEG protein (p.Gln2263Arg). Algorithms developed to predict the effect of missense changes on protein structure and function (SIFT, PolyPhen-2, Align-GVGD) all suggest that this variant is likely to be tolerated. This variant has not been reported in the literature in individuals affected with SPEG-related conditions. This variant is present in population databases (rs770822187, gnomAD 0.0009%). In summary, the available evidence is currently insufficient to determine the role of this variant in disease. Therefore, it has been classified as a Variant of Uncertain Significance.

NM_005876.5(SPEG):c.6788A>G (p.Gln2263Arg)

Genes: ASIC4-AS1 (ASIC4 antisense RNA 1; minus strand), SPEG (striated muscle enriched protein kinase; plus strand). Cytogenetic location: 2q35.
Variant type: single nucleotide variant.
Coding change: c.6788A>G on transcript NM_005876.5 (MANE Select); coding-DNA position 6788, A replaced by G.
Protein change: p.Gln2263Arg; replaces glutamine 2263 with arginine.
Molecular consequence: missense variant.
Genome position (GRCh38, 1-based): chr2:219,484,251, A>G. VCF-style: chr2-219484251-A-G. GRCh37 (hg19) VCF-style: chr2-220348973-A-G.
Other names: c.6788A>G (NM_005876.4); short protein forms Q2263R.
Identifiers: ClinVar variation 2172831 (VCV002172831.6), dbSNP rs770822187, ClinGen allele CA2127120.